The following is an entry in ClinVar:

NM_153717.3(EVC):c.752dup (p.Lys252fs)

Gene: EVC (EvC ciliary complex subunit 1; plus strand). Cytogenetic location: 4p16.2.
Variant type: Duplication.
Coding change: c.752dup on transcript NM_153717.3 (MANE Select); coding-DNA position 752, one base duplicated (A; older notation c.752dupA).
Protein change: p.Lys252fs; shifts the reading frame from lysine 252.
Molecular consequence: frameshift variant.
Genome position (GRCh38, 1-based): chr4:5,741,765, A duplicated; the last of 5 consecutive A bases (chr4:5,741,761-5,741,765); duplicating any one gives the same sequence. VCF-style (leftmost placement, unchanged base first): chr4-5741760-T-TA. GRCh37 (hg19) VCF-style: chr4-5743487-T-TA.
Other names: c.752dupA (NM_153717.2); c.752dup, p.Lys252fs (NM_001306090.2, NM_001306092.2); short protein forms K252fs.
Identifiers: ClinVar variation 556656 (VCV000556656.16), dbSNP rs1553871792, ClinGen allele CA658821951.

ClinVar aggregate classification (germline): Pathogenic. Review status: criteria provided, multiple submitters, no conflicts (2 of 4 stars). 3 submissions from 3 submitters: Pathogenic (2). 1 of the submissions does not count toward it. Last evaluated 2025-04-10.

Conditions:
Curry-Hall syndrome (WAD). Also called: WEYERS ACRODENTAL DYSOSTOSIS. Identifiers: Orphanet 952, MedGen C0457013, MONDO:0008673, OMIM 193530.
Ellis-van Creveld syndrome (EVC). Also called: EVC2-Related Ellis-van Creveld Syndrome; EVC-Related Ellis-van Creveld Syndrome; MESOECTODERMAL DYSPLASIA; Chondroectodermal dysplasia. Identifiers: Orphanet 289, MedGen C0013903, MONDO:0009162, OMIM 225500.

Submissions (3):

Natera, Inc.
Classification: Pathogenic for Ellis-van Creveld syndrome. Last evaluated: 2025-04-10. Review status: criteria provided, single submitter. Criteria: Natera Variant Classification Schema (03/2026). Collection method: clinical testing. Allele origin: germline.
Comment: The c.752dupA variant in EVC is a frameshift variant predicted to shift the reading frame beginning at codon 252 and leads to a stop codon 4 codons downstream. This variant is expected to result in nonsense mediated decay, truncation, or a dysfunctional protein product. This variant is rare in the general population with a frequency below the threshold expected for the associated phenotype(s). This variant has been observed in one or more individuals affected with the associated recessive disease, as either homozygous or compound heterozygous with a second variant (PMID: 23220543). Given the available evidence, this variant is classified as Pathogenic.

Labcorp Genetics (formerly Invitae), Labcorp
Classification: Pathogenic for Curry-Hall syndrome; Ellis-van Creveld syndrome. Last evaluated: 2022-06-29. Review status: criteria provided, single submitter. Criteria: Invitae Variant Classification Sherloc (09022015). Collection method: clinical testing. Allele origin: germline.
Comment: For these reasons, this variant has been classified as Pathogenic. ClinVar contains an entry for this variant (Variation ID: 556656). This premature translational stop signal has been observed in individual(s) with Ellis-van Creveld syndrome (PMID: 23220543). This variant is not present in population databases (gnomAD no frequency). This sequence change creates a premature translational stop signal (p.Lys252Glufs*4) in the EVC gene. It is expected to result in an absent or disrupted protein product. Loss-of-function variants in EVC are known to be pathogenic (PMID: 23220543).

Counsyl
Classification: Likely pathogenic for Ellis-van Creveld syndrome. Last evaluated: 2018-02-13. Review status: no assertion criteria provided. Collection method: clinical testing. Allele origin: unknown. Not counted in ClinVar's aggregate classification.

Literature cited by the submitters: PubMed 23220543 (cited by 3 submitters).